The following is an entry in ClinVar:

ClinVar aggregate classification (germline): Likely benign (0 of 4 stars; one submission).

Conditions:
TUB-related disorder. Also called: TUB-related condition.

gnomAD v4.1: 8 of 1,534,446 alleles (0.00052%); highest among the groups gnomAD compares: African/African-American, 0.0072%; no homozygotes.

Submission:

PreventionGenetics, part of Exact Sciences
Classification: Likely benign for TUB-related condition. Last evaluated: 2022-03-17. Review status: no assertion criteria provided. Collection method: clinical testing. Allele origin: germline.
Comment: This variant is classified as likely benign based on ACMG/AMP sequence variant interpretation guidelines (Richards et al. 2015 PMID: 25741868, with internal and published modifications).

NM_177972.3(TUB):c.38+10C>T

Gene: TUB (TUB bipartite transcription factor; plus strand). Cytogenetic location: 11p15.4.
Variant type: single nucleotide variant.
Coding change: c.38+10C>T on transcript NM_177972.3 (MANE Select); 10 bases into the intron after coding-DNA position 38, C replaced by T.
Molecular consequence: intron variant.
Genome position (GRCh38, 1-based): chr11:8,081,558, C>T. VCF-style: chr11-8081558-C-T. GRCh37 (hg19) VCF-style: chr11-8103105-C-T.
Other names: c.204-8052C>T (NM_003320.5).
Identifiers: ClinVar variation 3355167 (VCV003355167.1).